The following is an entry in ClinVar:

ClinVar aggregate classification (germline): Uncertain significance (1 of 4 stars; one submission).

Submission:

Women's Health and Genetics/Laboratory Corporation of America, LabCorp
Classification: Uncertain significance. Last evaluated: 2025-05-12. Review status: criteria provided, single submitter. Criteria: LabCorp Variant Classification Summary - May 2015. Collection method: clinical testing. Allele origin: germline.
Comment: Variant summary: GLI1 c.1045G>A (p.Ala349Thr) results in a non-conservative amino acid change located in the C2H2-type zinc finger domain (IPR013087) of the encoded protein sequence. Algorithms developed to predict the effect of missense changes on protein structure and function are either unavailable or do not agree on the potential impact of this missense change. The variant allele was found at a frequency of 8e-06 in 250974 control chromosomes. The available data on variant occurrences in the general population are insufficient to allow any conclusion about variant significance. To our knowledge, no occurrence of c.1045G>A in individuals affected with GLI1-Related Disorders and no experimental evidence demonstrating its impact on protein function have been reported. No submitters have cited clinical-significance assessments for this variant to ClinVar. Based on the evidence outlined above, the variant was classified as uncertain significance.

NM_005269.3(GLI1):c.1045G>A (p.Ala349Thr)

Gene: GLI1 (GLI family zinc finger 1; plus strand). Cytogenetic location: 12q13.3.
Variant type: single nucleotide variant.
Coding change: c.1045G>A on transcript NM_005269.3 (MANE Select); coding-DNA position 1045, G replaced by A.
Protein change: p.Ala349Thr; replaces alanine 349 with threonine.
Molecular consequence: missense variant.
Genome position (GRCh38, 1-based): chr12:57,467,465, G>A. VCF-style: chr12-57467465-G-A. GRCh37 (hg19) VCF-style: chr12-57861248-G-A.
Other names: c.661G>A, p.Ala221Thr (NM_001160045.2); c.922G>A, p.Ala308Thr (NM_001167609.2); short protein forms A221T, A308T, A349T.
Identifiers: ClinVar variation 3902281 (VCV003902281.1).